The following is an entry in ClinVar:

ClinVar aggregate classification (germline): Pathogenic (1 of 4 stars; one submission).

Submission:

GeneDx
Classification: Pathogenic. Last evaluated: 2025-06-18. Review status: criteria provided, single submitter. Criteria: GeneDx Variant Classification Process June 2021. Collection method: clinical testing. Allele origin: germline. Affected: yes.
Comment: Frameshift variant predicted to result in protein truncation or nonsense mediated decay in a gene for which loss of function is a known mechanism of disease; Not observed at significant frequency in large population cohorts (gnomAD); Has not been previously published as pathogenic or benign to our knowledge

NM_001042492.3(NF1):c.7312del (p.Tyr2438fs)

Gene: NF1 (neurofibromin 1; plus strand). Cytogenetic location: 17q11.2.
Variant type: Deletion.
Coding change: c.7312del on transcript NM_001042492.3 (MANE Select); coding-DNA position 7312, one base deleted (T; older notation c.7312delT).
Protein change: p.Tyr2438fs; shifts the reading frame from tyrosine 2438.
Molecular consequence: frameshift variant.
Genome position (GRCh38, 1-based): chr17:31,349,242, T deleted. VCF-style (leftmost placement, unchanged base first): chr17-31349241-CT-C. GRCh37 (hg19) VCF-style: chr17-29676259-CT-C.
Other names: c.7249delT, p.Tyr2417Thrfs (NM_000267.3); c.7249del, p.Tyr2417fs (NM_000267.4); short protein forms Y2417fs, Y2438fs.
Identifiers: ClinVar variation 4538702 (VCV004538702.1).
Genomic context (GRCh38, chr17:31,349,241, plus strand): 5'-AACTCTGGTTAACAAACACAGAAATTGTGACAAATTTGAAGTGAATACACAGAGCGTGGC[CT>C]ACTTAGCAGGTAAAAACACAAAATAAACAAAATTAATCTTGCTACATCTATATATAAGGA-3'